The following is an entry in ClinVar:

ClinVar aggregate classification (germline): Benign/Likely benign. Review status: criteria provided, multiple submitters, no conflicts (2 of 4 stars). 6 submissions from 6 submitters: Benign (2); Likely benign (3). 1 of the submissions does not count toward it. Last evaluated 2025-03-12.

Conditions:
PIEZO1-related disorder. Also called: PIEZO1-related condition; PIEZO1-Related Disorders.

Allele frequency attached by ClinVar (database versions not stated): gnomAD exomes 0.00016 and 0.00046; ExAC 0.00056; gnomAD 0.00174 and 0.00185; ESP Exome Variant Server 0.00175; TOPMed 0.00194; 1000 Genomes Project 30x 0.00219; 1000 Genomes Project 0.00220.
gnomAD v4.1: 506 of 1,550,512 alleles (0.033%); highest among the groups gnomAD compares: African/African-American, 0.62%; 1 homozygote.

Submissions (6):

Labcorp Genetics (formerly Invitae), Labcorp
Classification: Likely benign. Last evaluated: 2025-03-12. Review status: criteria provided, single submitter. Criteria: Invitae Variant Classification Sherloc (09022015). Collection method: clinical testing. Allele origin: germline.

CeGaT Center for Human Genetics Tuebingen
Classification: Likely benign. Last evaluated: 2025-03-01. Review status: criteria provided, single submitter. Criteria: CeGaT Center For Human Genetics Tuebingen Variant Classification Criteria Version 2. Collection method: clinical testing. Allele origin: germline. Affected: yes. Observed: 2 variant alleles.
Comment: PIEZO1: BP4, BP7

Blueprint Genetics
Classification: Likely benign. Last evaluated: 2024-10-09. Review status: criteria provided, single submitter. Criteria: ACMG Guidelines, 2015. Collection method: clinical testing. Allele origin: germline.

ARUP Laboratories, Molecular Genetics and Genomics, ARUP Laboratories
Classification: Benign. Last evaluated: 2023-05-04. Review status: criteria provided, single submitter. Criteria: ARUP Molecular Germline Variant Investigation Process 2024. Collection method: clinical testing. Allele origin: germline.

Mayo Clinic Laboratories, Mayo Clinic
Classification: Benign. Last evaluated: 2022-07-26. Review status: criteria provided, single submitter. Criteria: ACMG Guidelines, 2015. Collection method: clinical testing. Allele origin: germline. Observed: 11 variant alleles.
Comment: BP4, BP7

PreventionGenetics, part of Exact Sciences
Classification: Likely benign for PIEZO1-related condition. Last evaluated: 2019-06-17. Review status: no assertion criteria provided. Collection method: clinical testing. Allele origin: germline. Not counted in ClinVar's aggregate classification.
Comment: This variant is classified as likely benign based on ACMG/AMP sequence variant interpretation guidelines (Richards et al. 2015 PMID: 25741868, with internal and published modifications).

NM_001142864.4(PIEZO1):c.5883T>C (p.Tyr1961=)

Gene: PIEZO1 (piezo type mechanosensitive ion channel component 1 (Er blood group); minus strand). Cytogenetic location: 16q24.3.
Variant type: single nucleotide variant.
Coding change: c.5883T>C on transcript NM_001142864.4 (MANE Select); coding-DNA position 5883, T replaced by C.
Protein change: p.Tyr1961=; no amino-acid change (tyrosine 1961 retained).
Molecular consequence: synonymous variant.
Genome position (GRCh38, 1-based): chr16:88,720,451, A>G on the plus strand (T>C on the coding strand, the complement: PIEZO1 is on the minus strand). VCF-style: chr16-88720451-A-G. GRCh37 (hg19) VCF-style: chr16-88786859-A-G.
Other names: p.Tyr1961=.
Identifiers: ClinVar variation 712202 (VCV000712202.35), dbSNP rs115213894, ClinGen allele CA8231745.